The following is an entry in ClinVar:

NM_017570.5(OPLAH):c.2302C>T (p.Arg768Cys)

Gene: OPLAH (5-oxoprolinase, ATP-hydrolysing; minus strand). Cytogenetic location: 8q24.3.
Variant type: single nucleotide variant.
Coding change: c.2302C>T on transcript NM_017570.5 (MANE Select); coding-DNA position 2302, C replaced by T.
Protein change: p.Arg768Cys; replaces arginine 768 with cysteine.
Molecular consequence: missense variant.
Genome position (GRCh38, 1-based): chr8:144,055,136, G>A on the plus strand (C>T on the coding strand, the complement: OPLAH is on the minus strand). VCF-style: chr8-144055136-G-A. GRCh37 (hg19) VCF-style: chr8-145110039-G-A.
Other names: short protein forms R768C.
Identifiers: ClinVar variation 1450749 (VCV001450749.7), dbSNP rs939343558, ClinGen allele CA187614262.

ClinVar aggregate classification (germline): Uncertain significance (1 of 4 stars; one submission).

Conditions:
5-Oxoprolinase deficiency (OPLAHD). Also called: 5-OXOPROLINURIA DUE TO 5-OXOPROLINASE DEFICIENCY. Identifiers: Orphanet 33572, MedGen C0268525, MONDO:0009825, OMIM 260005, HP:0040142.

Allele frequency attached by ClinVar (database versions not stated): gnomAD 0.00001; TOPMed 0.00002.
gnomAD v4.1: 27 of 1,582,780 alleles (0.0017%); highest among the groups gnomAD compares: Non-Finnish European, 0.0022%; no homozygotes.

Submission:

Labcorp Genetics (formerly Invitae), Labcorp
Classification: Uncertain significance for 5-Oxoprolinase deficiency. Last evaluated: 2025-04-08. Review status: criteria provided, single submitter. Criteria: Invitae Variant Classification Sherloc (09022015). Collection method: clinical testing. Allele origin: germline.
Comment: This sequence change replaces arginine, which is basic and polar, with cysteine, which is neutral and slightly polar, at codon 768 of the OPLAH protein (p.Arg768Cys). This variant is not present in population databases (gnomAD no frequency). This variant has not been reported in the literature in individuals affected with OPLAH-related conditions. ClinVar contains an entry for this variant (Variation ID: 1450749). Experimental studies and prediction algorithms are not available or were not evaluated, and the functional significance of this variant is currently unknown. In summary, the available evidence is currently insufficient to determine the role of this variant in disease. Therefore, it has been classified as a Variant of Uncertain Significance.